The following is an entry in ClinVar:

ClinVar aggregate classification (germline): Likely pathogenic (1 of 4 stars; one submission).

Conditions:
Short stature-brachydactyly-obesity-global developmental delay syndrome. Also called: SHORT STATURE, BRACHYDACTYLY, IMPAIRED INTELLECTUAL DEVELOPMENT, AND SEIZURES; Short stature, brachydactyly, intellectual developmental disability, and seizures. Identifiers: Orphanet 464288, MedGen C4310689, MONDO:0014944, OMIM 617157.

Allele frequency attached by ClinVar (database versions not stated): gnomAD exomes below 0.00001.

Submission:

Women's Health and Genetics/Laboratory Corporation of America, LabCorp
Classification: Likely pathogenic for Short stature, brachydactyly, intellectual developmental disability, and seizures. Last evaluated: 2020-05-11. Review status: criteria provided, single submitter. Criteria: LabCorp Variant Classification Summary - May 2015. Collection method: clinical testing. Allele origin: germline.
Comment: Variant summary: PRMT7 c.1499dupT (p.Asp501GlyfsX36) results in a premature termination codon, predicted to cause a truncation of the encoded protein or absence of the protein due to nonsense mediated decay. The variant allele was found at a frequency of 4e-06 in 250140 control chromosomes (gnomAD). To our knowledge, no occurrence of c.1499dupT in individuals affected with Short Stature, Brachydactyly, Intellectual Developmental Disability, And Seizures and no experimental evidence demonstrating its impact on protein function have been reported. No clinical diagnostic laboratories have submitted clinical-significance assessments for this variant to ClinVar after 2014. Based on the evidence outlined above, the variant was classified as likely pathogenic.

NM_019023.5(PRMT7):c.1499dup (p.Asp501fs)

Gene: PRMT7 (protein arginine methyltransferase 7; plus strand). Cytogenetic location: 16q22.1.
Variant type: Duplication.
Coding change: c.1499dup on transcript NM_019023.5 (MANE Select); coding-DNA position 1499, one base duplicated (T; older notation c.1499dupT).
Protein change: p.Asp501fs; shifts the reading frame from aspartic acid 501.
Molecular consequence: frameshift variant. On other transcripts: non-coding transcript variant (12), intron variant (1).
Genome position (GRCh38, 1-based): chr16:68,352,333, T duplicated. VCF-style (leftmost placement, unchanged base first): chr16-68352332-G-GT. GRCh37 (hg19) VCF-style: chr16-68386235-G-GT.
Other names: c.1349dup, p.Asp451fs (NM_001184824.4); c.1499dup, p.Asp501fs (NM_001290018.2, NM_001351143.3, NM_001378018.1); c.1292dup, p.Asp432fs (NM_001378020.1); c.1262dup, p.Asp422fs (NM_001378021.1, NM_001378022.1, NM_001378023.1); c.1481+18dup (NM_001351144.3); short protein forms D432fs, D451fs, D501fs, D422fs.
Identifiers: ClinVar variation 932209 (VCV000932209.1), dbSNP rs1567739042, ClinGen allele CA919731456.